The following is an entry in ClinVar:

NM_015909.4(NBAS):c.4173A>T (p.Val1391=)

Gene: NBAS (NBAS subunit of NRZ tethering complex; minus strand). Cytogenetic location: 2p24.3.
Variant type: single nucleotide variant.
Coding change: c.4173A>T on transcript NM_015909.4 (MANE Select); coding-DNA position 4173, A replaced by T.
Protein change: p.Val1391=; no amino-acid change (valine 1391 retained).
Molecular consequence: synonymous variant. On other transcripts: non-coding transcript variant (1).
Genome position (GRCh38, 1-based): chr2:15,351,998, T>A on the plus strand (A>T on the coding strand, the complement: NBAS is on the minus strand). VCF-style: chr2-15351998-T-A. GRCh37 (hg19) VCF-style: chr2-15492122-T-A.
Other names: c.4173A>T (NM_015909.3).
Identifiers: ClinVar variation 1640712 (VCV001640712.9), dbSNP rs1403771565, ClinGen allele CA424868825.
Genomic context (GRCh38, chr2:15,351,998, plus strand): 5'-ACTTTATTCCACTCTCAGCCACCTTTCAAACTCCGCTCCCTCATTTTAACTTACCTCTTG[T>A]ACTGCTTTACTAGTTAATGGTGAAGCACTGATATTTTCCCCTCCTTCATGATGGATCTGG-3'
Protein context (NP_056993.2, residues 1381-1401): ISASPLTSKA[Val1391=]QEDEVGVPGS

ClinVar aggregate classification (germline): Likely benign. Review status: criteria provided, multiple submitters, no conflicts (2 of 4 stars). 2 submissions from 2 submitters: Likely benign (2). Last evaluated 2026-09-08.

Conditions:
NBAS-related disorder. Also called: NBAS-related condition.

Allele frequency attached by ClinVar (database versions not stated): gnomAD 0.00001; TOPMed 0.00002.
gnomAD v4.1: 3 of 1,607,192 alleles (0.00019%); highest among the groups gnomAD compares: Admixed American, 0.005%; no homozygotes.

Submissions (2):

PreventionGenetics, part of Exact Sciences
Classification: Likely benign for NBAS-related condition. Last evaluated: 2026-09-08. Review status: criteria provided, single submitter. Criteria: ACMG Guidelines, 2015. Collection method: clinical testing. Allele origin: germline.
Comment: This variant is classified as likely benign based on ACMG/AMP sequence variant interpretation guidelines (Richards et al. 2015 PMID: 25741868, with internal and published modifications).

Labcorp Genetics (formerly Invitae), Labcorp
Classification: Likely benign. Last evaluated: 2025-09-08. Review status: criteria provided, single submitter. Criteria: Invitae Variant Classification Sherloc (09022015). Collection method: clinical testing. Allele origin: germline.